The following is an entry in ClinVar:

ClinVar aggregate classification (germline): Likely benign (1 of 4 stars; one submission).

Allele frequency attached by ClinVar (database versions not stated): 1000 Genomes Project 30x 0.00125; TOPMed 0.00130; ESP Exome Variant Server 0.00100; 1000 Genomes Project 0.00140; ExAC 0.00156.
gnomAD v4.1: 2,552 of 1,613,490 alleles (0.16%); highest among the groups gnomAD compares: Non-Finnish European, 0.19%; 11 homozygotes.

Submission:

CeGaT Center for Human Genetics Tuebingen
Classification: Likely benign. Last evaluated: 2022-12-01. Review status: criteria provided, single submitter. Criteria: CeGaT Center For Human Genetics Tuebingen Variant Classification Criteria Version 2. Collection method: clinical testing. Allele origin: germline. Affected: yes. Observed: 1 variant allele.
Comment: ZNF653: BP4, BP7, BS2

NM_138783.4(ZNF653):c.990C>G (p.Leu330=)

Gene: ZNF653 (zinc finger protein 653; minus strand). Cytogenetic location: 19p13.2.
Variant type: single nucleotide variant.
Coding change: c.990C>G on transcript NM_138783.4 (MANE Select); coding-DNA position 990, C replaced by G.
Protein change: p.Leu330=; no amino-acid change (leucine 330 retained).
Molecular consequence: synonymous variant.
Genome position (GRCh38, 1-based): chr19:11,487,473, G>C on the plus strand (C>G on the coding strand, the complement: ZNF653 is on the minus strand). VCF-style: chr19-11487473-G-C. GRCh37 (hg19) VCF-style: chr19-11598288-G-C.
Identifiers: ClinVar variation 2649331 (VCV002649331.24), dbSNP rs145806085, ClinGen allele CA9214095.